The following is an entry in ClinVar:

ClinVar aggregate classification (germline): Uncertain significance. Review status: criteria provided, multiple submitters, no conflicts (2 of 4 stars). 5 submissions from 5 submitters: Uncertain significance (4). 1 of the submissions does not count toward it. Last evaluated 2023-09-14.

Conditions:
Cardiovascular phenotype. Identifiers: MedGen CN230736.
Alstrom syndrome (ALMS). Identifiers: Orphanet 64, MedGen C0268425, MONDO:0008763, OMIM 203800.

Allele frequency attached by ClinVar (database versions not stated): gnomAD exomes 0.00001; ExAC 0.00002; gnomAD 0.00004 and 0.00005; TOPMed 0.00011; 1000 Genomes Project 0.00020; 1000 Genomes Project 30x 0.00031.
gnomAD v4.1: 11 of 1,559,356 alleles (0.00071%); highest among the groups gnomAD compares: Admixed American, 0.019%; no homozygotes.

Submissions (5):

Ambry Genetics
Classification: Uncertain significance for Cardiovascular phenotype. Last evaluated: 2023-09-14. Review status: criteria provided, single submitter. Criteria: Ambry Variant Classification Scheme 2023. Collection method: clinical testing. Allele origin: germline.
Comment: The p.D260E variant (also known as c.780T>G), located in coding exon 5 of the ALMS1 gene, results from a T to G substitution at nucleotide position 780. The aspartic acid at codon 260 is replaced by glutamic acid, an amino acid with highly similar properties. This amino acid position is not well conserved in available vertebrate species. In addition, the in silico prediction for this alteration is inconclusive. Since supporting evidence is limited at this time, the clinical significance of this alteration remains unclear.

Labcorp Genetics (formerly Invitae), Labcorp
Classification: Uncertain significance for Alstrom syndrome. Last evaluated: 2022-09-13. Review status: criteria provided, single submitter. Criteria: Invitae Variant Classification Sherloc (09022015). Collection method: clinical testing. Allele origin: germline.
Comment: This sequence change replaces aspartic acid, which is acidic and polar, with glutamic acid, which is acidic and polar, at codon 260 of the ALMS1 protein (p.Asp260Glu). This variant is present in population databases (rs190445250, gnomAD 0.007%). This variant has not been reported in the literature in individuals affected with ALMS1-related conditions. ClinVar contains an entry for this variant (Variation ID: 551662). Experimental studies and prediction algorithms are not available or were not evaluated, and the functional significance of this variant is currently unknown. In summary, the available evidence is currently insufficient to determine the role of this variant in disease. Therefore, it has been classified as a Variant of Uncertain Significance.

Blueprint Genetics
Classification: Uncertain significance. Last evaluated: 2022-09-02. Review status: criteria provided, single submitter. Criteria: ACMG Guidelines, 2015. Collection method: clinical testing. Allele origin: germline.

Fulgent Genetics
Classification: Uncertain significance for Alstrom syndrome. Last evaluated: 2021-12-24. Review status: criteria provided, single submitter. Criteria: ACMG Guidelines, 2015. Collection method: clinical testing. Allele origin: unknown.

Counsyl
Classification: Uncertain significance for Alstrom syndrome. Last evaluated: 2017-05-04. Review status: no assertion criteria provided. Collection method: clinical testing. Allele origin: unknown. Not counted in ClinVar's aggregate classification.

Literature cited by the submitters: PubMed 32483926 (cited by Ambry Genetics).

NM_001378454.1(ALMS1):c.777T>G (p.Asp259Glu)

Gene: ALMS1 (ALMS1 centrosome and basal body associated protein; plus strand). Cytogenetic location: 2p13.1.
Variant type: single nucleotide variant.
Coding change: c.777T>G on transcript NM_001378454.1 (MANE Select); coding-DNA position 777, T replaced by G.
Protein change: p.Asp259Glu; replaces aspartic acid 259 with glutamic acid.
Molecular consequence: missense variant.
Genome position (GRCh38, 1-based): chr2:73,424,442, T>G. VCF-style: chr2-73424442-T-G. GRCh37 (hg19) VCF-style: chr2-73651570-T-G.
Other names: c.780T>G, p.Asp260Glu (NM_015120.4); short protein forms D260E, D259E.
Identifiers: ClinVar variation 551662 (VCV000551662.7), dbSNP rs190445250, ClinGen allele CA1712981.
Genomic context (GRCh38, chr2:73,424,442, plus strand): 5'-ATGTTTTTAATGTTATTTATTTATTTATTTTTAACTATATATTTTCAGGGGAATTCCTGA[T>G]AAGTCTGAAGATACTGAATGGTCTTCTCGACCATCGGAAGTTAGTGAAGCTTTATTCCAG-3'
Protein context (NP_001365383.1, residues 249-269): LSFAPLRGIP[Asp259Glu]KSEDTEWSSR